The following is an entry in ClinVar:

ClinVar aggregate classification (germline): Pathogenic (1 of 4 stars; one submission).

Conditions:
Hereditary cancer-predisposing syndrome. Also called: Tumor predisposition; Hereditary Cancer Syndrome; Hereditary neoplastic syndrome; Neoplastic Syndromes, Hereditary. Identifiers: Orphanet 140162, MedGen C0027672, MeSH D009386, MONDO:0015356.

Submission:

Ambry Genetics
Classification: Pathogenic for Hereditary cancer-predisposing syndrome. Last evaluated: 2024-04-26. Review status: criteria provided, single submitter. Criteria: Ambry Variant Classification Scheme 2023. Collection method: clinical testing. Allele origin: germline.
Comment: The c.2307delT pathogenic mutation, located in coding exon 4 of the MSH6 gene, results from a deletion of one nucleotide at nucleotide position 2307, causing a translational frameshift with a predicted alternate stop codon (p.F769Lfs*6). This variant is considered to be rare based on population cohorts in the Genome Aggregation Database (gnomAD). This alteration is expected to result in loss of function by premature protein truncation or nonsense-mediated mRNA decay. As such, this alteration is interpreted as a disease-causing mutation.

NM_000179.3(MSH6):c.2307del (p.Phe769fs)

Gene: MSH6 (mutS homolog 6; plus strand). Cytogenetic location: 2p16.3.
Variant type: Deletion.
Coding change: c.2307del on transcript NM_000179.3 (MANE Select); coding-DNA position 2307, one base deleted (T; older notation c.2307delT).
Protein change: p.Phe769fs; shifts the reading frame from phenylalanine 769.
Molecular consequence: frameshift variant. On other transcripts: intron variant (2), non-coding transcript variant (5).
Genome position (GRCh38, 1-based): chr2:47,800,290, T deleted; the last of 4 consecutive T bases (chr2:47,800,287-47,800,290); deleting any one gives the same sequence. VCF-style (leftmost placement, unchanged base first): chr2-47800286-CT-C. GRCh37 (hg19) VCF-style: chr2-48027425-CT-C.
Other names: c.1917del, p.Phe639fs (NM_001281492.2); c.1401del, p.Phe467fs (NM_001281493.2, NM_001281494.2, NM_001406811.1 and 6 more transcripts); c.2403del, p.Phe801fs (NM_001406795.1, NM_001406802.1); c.2307del, p.Phe769fs (NM_001406796.1, NM_001406798.1, NM_001406800.1 and 3 more transcripts); c.2010del, p.Phe670fs (NM_001406797.1, NM_001406801.1, NM_001406805.1 and 10 more transcripts); c.1782del, p.Phe594fs (NM_001406799.1, NM_001406806.1, NM_001406807.1); c.2229del, p.Phe743fs (NM_001406804.1); c.2313del, p.Phe771fs (NM_001406813.1); and 3 more; short protein forms F670fs, F594fs, F639fs, F713fs, F801fs, F467fs, F743fs, F769fs.
Identifiers: ClinVar variation 3296376 (VCV003296376.1).